The following is an entry in ClinVar:

ClinVar aggregate classification (germline): Pathogenic (1 of 4 stars; one submission).

Submission:

Labcorp Genetics (formerly Invitae), Labcorp
Classification: Pathogenic. Last evaluated: 2022-08-23. Review status: criteria provided, single submitter. Criteria: Invitae Variant Classification Sherloc (09022015). Collection method: clinical testing. Allele origin: germline.
Comment: This variant has not been reported in the literature in individuals affected with COL7A1-related conditions. For these reasons, this variant has been classified as Pathogenic. Algorithms developed to predict the effect of sequence changes on RNA splicing suggest that this variant may disrupt the consensus splice site. This variant is not present in population databases (gnomAD no frequency). This sequence change creates a premature translational stop signal (p.Gln166*) in the COL7A1 gene. It is expected to result in an absent or disrupted protein product. Loss-of-function variants in COL7A1 are known to be pathogenic (PMID: 16971478).

Literature cited by the submitters: PubMed 16971478.

NM_000094.4(COL7A1):c.496C>T (p.Gln166Ter)

Gene: COL7A1 (collagen type VII alpha 1 chain; minus strand). Cytogenetic location: 3p21.31.
Variant type: single nucleotide variant.
Coding change: c.496C>T on transcript NM_000094.4 (MANE Select); coding-DNA position 496, C replaced by T.
Protein change: p.Gln166Ter; replaces glutamine 166 with a stop codon.
Molecular consequence: nonsense.
Genome position (GRCh38, 1-based): chr3:48,593,380, G>A on the plus strand (C>T on the coding strand, the complement: COL7A1 is on the minus strand). VCF-style: chr3-48593380-G-A. GRCh37 (hg19) VCF-style: chr3-48630813-G-A.
Other names: short protein forms Q166*.
Identifiers: ClinVar variation 2026689 (VCV002026689.4), dbSNP rs2531347318, ClinGen allele CA352746515.